The following is an entry in ClinVar:

ClinVar aggregate classification (germline): Uncertain significance (1 of 4 stars; one submission).

Submission:

Women's Health and Genetics/Laboratory Corporation of America, LabCorp
Classification: Uncertain significance. Last evaluated: 2026-04-28. Review status: criteria provided, single submitter. Criteria: LabCorp Variant Classification Summary - May 2015. Collection method: clinical testing. Allele origin: germline.
Comment: Variant summary: The variant involves the duplication of exons 1-2 in the C2orf69 gene. A presumed nomenclature of c.(?_-147)_(*2388_?)dup has been designated for the purposes of this classification. This duplication includes the entire coding sequence of the gene. As exact breakpoints are unknown, it may extend beyond the annotated region of the gene, to include other flanking genes. A duplication of the C2orf69 gene (which also includes parts the flanking 2 genes, TYW5 and MAIP1) was found at a frequency of 2.2e-06 in 462883 control chromosomes in the gnomAD database (CNVs v4.1 dataset). In addition, a few larger duplications (which include multiple genes) were also reported. The available data on variant occurrences in the general population are insufficient to allow any conclusion about variant significance. To our knowledge, no occurrence of c.(?_-147)_(*2388_?)dup in individuals affected with C2orf69-related conditions and no experimental evidence demonstrating its impact on protein function have been reported. No submitters have cited clinical-significance assessments for this variant to ClinVar. Based on the evidence outlined above, the variant was classified as uncertain significance.

NC_000002.11:g.(?_200776015)_(200792997_?)dup

Gene: C2orf69 (chromosome 2 open reading frame 69; plus strand). Cytogenetic location: 2q33.1.
Variant type: Duplication.
Identifiers: ClinVar variation 4848678 (VCV004848678.1).